The following is an entry in ClinVar:

NM_000553.6(WRN):c.3857C>A (p.Thr1286Lys)

Gene: WRN (WRN RecQ like helicase; plus strand). Cytogenetic location: 8p12.
Variant type: single nucleotide variant.
Coding change: c.3857C>A on transcript NM_000553.6 (MANE Select); coding-DNA position 3857, C replaced by A.
Protein change: p.Thr1286Lys; replaces threonine 1286 with lysine.
Molecular consequence: missense variant.
Genome position (GRCh38, 1-based): chr8:31,157,405, C>A. VCF-style: chr8-31157405-C-A. GRCh37 (hg19) VCF-style: chr8-31014921-C-A.
Other names: short protein forms T1286K.
Identifiers: ClinVar variation 3021958 (VCV003021958.3), dbSNP rs1248248259, ClinGen allele CA370929354.

ClinVar aggregate classification (germline): Uncertain significance (1 of 4 stars; one submission).

Conditions:
Werner syndrome (WRN). Identifiers: Orphanet 902, MedGen C0043119, MONDO:0010196, OMIM 277700.

gnomAD v4.1: 2 of 1,614,078 alleles (0.00012%); highest among the groups gnomAD compares: Admixed American, 0.0017%; no homozygotes.

Submission:

Labcorp Genetics (formerly Invitae), Labcorp
Classification: Uncertain significance for Werner syndrome. Last evaluated: 2023-02-17. Review status: criteria provided, single submitter. Criteria: Invitae Variant Classification Sherloc (09022015). Collection method: clinical testing. Allele origin: germline.
Comment: This sequence change replaces threonine, which is neutral and polar, with lysine, which is basic and polar, at codon 1286 of the WRN protein (p.Thr1286Lys). This variant is present in population databases (no rsID available, gnomAD 0.003%). This variant has not been reported in the literature in individuals affected with WRN-related conditions. An algorithm developed to predict the effect of missense changes on protein structure and function (PolyPhen-2) suggests that this variant is likely to be tolerated. In summary, the available evidence is currently insufficient to determine the role of this variant in disease. Therefore, it has been classified as a Variant of Uncertain Significance.